The following is an entry in ClinVar:

NM_014915.3(ANKRD26):c.892A>C (p.Thr298Pro)

Gene: ANKRD26 (ankyrin repeat domain containing 26; minus strand). Cytogenetic location: 10p12.1.
Variant type: single nucleotide variant.
Coding change: c.892A>C on transcript NM_014915.3 (MANE Select); coding-DNA position 892, A replaced by C.
Protein change: p.Thr298Pro; replaces threonine 298 with proline.
Molecular consequence: missense variant.
Genome position (GRCh38, 1-based): chr10:27,077,523, T>G on the plus strand (A>C on the coding strand, the complement: ANKRD26 is on the minus strand). VCF-style: chr10-27077523-T-G. GRCh37 (hg19) VCF-style: chr10-27366452-T-G.
Other names: c.892A>C, p.Thr298Pro (NM_001256053.2); short protein forms T298P.
Identifiers: ClinVar variation 3871448 (VCV003871448.1).

ClinVar aggregate classification (germline): Uncertain significance (1 of 4 stars; one submission).

Conditions:
Inborn genetic diseases. Identifiers: MedGen C0950123, MeSH D030342.

Submission:

Ambry Genetics
Classification: Uncertain significance for Inborn genetic diseases. Last evaluated: 2025-02-19. Review status: criteria provided, single submitter. Criteria: Ambry Variant Classification Scheme 2023. Collection method: clinical testing. Allele origin: germline.
Comment: The p.T298P variant (also known as c.892A>C), located in coding exon 9 of the ANKRD26 gene, results from an A to C substitution at nucleotide position 892. The threonine at codon 298 is replaced by proline, an amino acid with highly similar properties. This amino acid position is conserved. In addition, this alteration is predicted to be tolerated by in silico analysis. Based on the available evidence, the clinical significance of this variant remains unclear.